The following is an entry in ClinVar:

ClinVar aggregate classification (germline): Uncertain significance (1 of 4 stars; one submission).

Submission:

GeneDx
Classification: Uncertain significance. Last evaluated: 2023-02-07. Review status: criteria provided, single submitter. Criteria: GeneDx Variant Classification Process June 2021. Collection method: clinical testing. Allele origin: germline. Affected: yes.
Comment: Not observed at significant frequency in large population cohorts (gnomAD); In silico analysis supports that this missense variant has a deleterious effect on protein structure/function; Has not been previously published as pathogenic or benign to our knowledge

NM_001145358.2(SIN3A):c.901C>A (p.Pro301Thr)

Gene: SIN3A (SIN3 transcription regulator family member A; minus strand). Cytogenetic location: 15q24.2.
Variant type: single nucleotide variant.
Coding change: c.901C>A on transcript NM_001145358.2 (MANE Select); coding-DNA position 901, C replaced by A.
Protein change: p.Pro301Thr; replaces proline 301 with threonine.
Molecular consequence: missense variant.
Genome position (GRCh38, 1-based): chr15:75,411,599, G>T on the plus strand (C>A on the coding strand, the complement: SIN3A is on the minus strand). VCF-style: chr15-75411599-G-T. GRCh37 (hg19) VCF-style: chr15-75703940-G-T.
Other names: c.901C>A, p.Pro301Thr (NM_001145357.2, NM_015477.3); short protein forms P301T.
Identifiers: ClinVar variation 2574763 (VCV002574763.1), dbSNP rs2542690290, ClinGen allele CA393447734.
Genomic context (GRCh38, chr15:75,411,599, plus strand): 5'-GGCCCTGAAATCTGTTCTTGATCTTATTAACATAGTTGATGGCATGATTAAACTCCACAG[G>T]TTGATTGTTCTGCAAGGATGGGGCCGTTCCCAACGAGATTGTCACTGGTGTGTGAGGCTG-3'
Protein context (NP_001138830.1, residues 291-311): GTAPSLQNNQ[Pro301Thr]VEFNHAINYV